The following is an entry in ClinVar:

NM_001042492.3(NF1):c.6210A>G (p.Glu2070=)

Gene: NF1 (neurofibromin 1; plus strand). Cytogenetic location: 17q11.2.
Variant type: single nucleotide variant.
Coding change: c.6210A>G on transcript NM_001042492.3 (MANE Select); coding-DNA position 6210, A replaced by G.
Protein change: p.Glu2070=; no amino-acid change (glutamic acid 2070 retained).
Molecular consequence: synonymous variant.
Genome position (GRCh38, 1-based): chr17:31,336,697, A>G. VCF-style: chr17-31336697-A-G. GRCh37 (hg19) VCF-style: chr17-29663715-A-G.
Other names: c.6147A>G, p.Glu2049= (NM_000267.4).
Identifiers: ClinVar variation 3404841 (VCV003404841.2).

ClinVar aggregate classification (germline): Benign/Likely benign. Review status: criteria provided, multiple submitters, no conflicts (2 of 4 stars). 2 submissions from 2 submitters: Benign (1); Likely benign (1). Last evaluated 2026-05-21.

Conditions:
Neurofibromatosis, type 1 (NF1). Also called: NEUROFIBROMATOSIS, TYPE I, SOMATIC; Peripheral type neurofibromatosis; VON RECKLINGHAUSEN DISEASE; Neurofibromatosis, type I. Identifiers: Orphanet 636, MedGen C0027831, MONDO:0018975, OMIM 162200. Disease mechanism: loss of function.
Hereditary cancer-predisposing syndrome. Also called: Neoplastic Syndromes, Hereditary; Tumor predisposition; Hereditary Cancer Syndrome; Hereditary neoplastic syndrome. Identifiers: Orphanet 140162, MedGen C0027672, MeSH D009386, MONDO:0015356.
Cardiovascular phenotype. Identifiers: MedGen CN230736.

Submissions (2):

Myriad Genetics, Inc.
Classification: Benign for Neurofibromatosis, type 1. Last evaluated: 2026-05-21. Review status: criteria provided, single submitter. Criteria: Myriad Autosomal Dominant, Autosomal Recessive and X-Linked Classification Criteria (2023). Collection method: clinical testing. Allele origin: unknown.
Comment: This variant is considered benign. This variant is a silent/synonymous amino acid change and it is not expected to impact splicing.

Ambry Genetics
Classification: Likely benign for Cardiovascular phenotype; Hereditary cancer-predisposing syndrome. Last evaluated: 2024-10-22. Review status: criteria provided, single submitter. Criteria: Ambry Variant Classification Scheme 2023. Collection method: clinical testing. Allele origin: germline.